The following is an entry in ClinVar:

NM_001291867.2(NHS):c.3825G>C (p.Gln1275His)

Gene: NHS (NHS actin remodeling regulator; plus strand). Cytogenetic location: Xp22.13.
Variant type: single nucleotide variant.
Coding change: c.3825G>C on transcript NM_001291867.2 (MANE Select); coding-DNA position 3825, G replaced by C.
Protein change: p.Gln1275His; replaces glutamine 1275 with histidine.
Molecular consequence: missense variant.
Genome position (GRCh38, 1-based): chrX:17,727,931, G>C. VCF-style: chrX-17727931-G-C. GRCh37 (hg19) VCF-style: chrX-17746051-G-C.
Other names: c.3294G>C, p.Gln1098His (NM_001136024.4); c.3231G>C, p.Gln1077His (NM_001291868.2); c.3762G>C, p.Gln1254His (NM_198270.4); short protein forms Q1077H, Q1098H, Q1254H, Q1275H.
Identifiers: ClinVar variation 3355165 (VCV003355165.1).

ClinVar aggregate classification (germline): Uncertain significance (0 of 4 stars; one submission).

Conditions:
NHS-related disorder. Also called: NHS-related condition.

Submission:

PreventionGenetics, part of Exact Sciences
Classification: Uncertain significance for NHS-related condition. Last evaluated: 2024-03-08. Review status: no assertion criteria provided. Collection method: clinical testing. Allele origin: germline.
Comment: The NHS c.3762G>C variant is predicted to result in the amino acid substitution p.Gln1254His. To our knowledge, this variant has not been reported in the literature or in a large population database, indicating this variant is rare. At this time, the clinical significance of this variant is uncertain due to the absence of conclusive functional and genetic evidence.